The following is an entry in ClinVar:

ClinVar aggregate classification (germline): Uncertain significance. Review status: criteria provided, multiple submitters, no conflicts (2 of 4 stars). 2 submissions from 2 submitters: Uncertain significance (2). Last evaluated 2026-08-30.

Conditions:
Episodic ataxia type 2 (EA2). Also called: ATAXIA, EPISODIC, WITH NYSTAGMUS; ATAXIA, FAMILIAL PAROXYSMAL; CEREBELLAR ATAXIA, PAROXYSMAL, ACETAZOLAMIDE-RESPONSIVE; CEREBELLOPATHY, HEREDITARY PAROXYSMAL; EPISODIC ATAXIA, NYSTAGMUS-ASSOCIATED; ACETAZOLAMIDE-RESPONSIVE HEREDITARY PAROXYSMAL CEREBELLAR ATAXIA. Identifiers: Orphanet 97, MedGen C1720416, MONDO:0007163, OMIM 108500.
Developmental and epileptic encephalopathy, 42 (DEE42A). Also called: Epileptic encephalopathy, early infantile, 42; DEVELOPMENTAL AND EPILEPTIC ENCEPHALOPATHY 42A; EPILEPTIC ENCEPHALOPATHY, EARLY INFANTILE, 42A. Identifiers: MedGen C4310716, MONDO:0014917, OMIM 617106.

Submissions (2):

GeneDx
Classification: Uncertain significance. Last evaluated: 2026-08-30. Review status: criteria provided, single submitter. Criteria: GeneDx Variant Classification Process June 2021. Collection method: clinical testing. Allele origin: germline.
Comment: Not observed at significant frequency in large population cohorts (gnomAD); In silico analysis supports that this missense variant has a deleterious effect on protein structure/function; Has not been previously published as pathogenic or benign to our knowledge

Labcorp Genetics (formerly Invitae), Labcorp
Classification: Uncertain significance for Developmental and epileptic encephalopathy, 42; Episodic ataxia type 2. Last evaluated: 2023-12-11. Review status: criteria provided, single submitter. Criteria: Invitae Variant Classification Sherloc (09022015). Collection method: clinical testing. Allele origin: germline.
Comment: This sequence change replaces tyrosine, which is neutral and polar, with cysteine, which is neutral and slightly polar, at codon 1491 of the CACNA1A protein (p.Tyr1491Cys). This variant is not present in population databases (gnomAD no frequency). This variant has not been reported in the literature in individuals affected with CACNA1A-related conditions. ClinVar contains an entry for this variant (Variation ID: 422625). Advanced modeling of protein sequence and biophysical properties (such as structural, functional, and spatial information, amino acid conservation, physicochemical variation, residue mobility, and thermodynamic stability) performed at Invitae indicates that this missense variant is expected to disrupt CACNA1A protein function with a positive predictive value of 95%. In summary, the available evidence is currently insufficient to determine the role of this variant in disease. Therefore, it has been classified as a Variant of Uncertain Significance.

NM_001127222.2(CACNA1A):c.4469A>G (p.Tyr1490Cys)

Gene: CACNA1A (calcium voltage-gated channel subunit alpha1 A; minus strand). Cytogenetic location: 19p13.13.
Variant type: single nucleotide variant.
Coding change: c.4469A>G on transcript NM_001127222.2 (MANE Select); coding-DNA position 4469, A replaced by G.
Protein change: p.Tyr1490Cys; replaces tyrosine 1490 with cysteine.
Molecular consequence: missense variant.
Genome position (GRCh38, 1-based): chr19:13,257,471, T>C on the plus strand (A>G on the coding strand, the complement: CACNA1A is on the minus strand). VCF-style: chr19-13257471-T-C. GRCh37 (hg19) VCF-style: chr19-13368285-T-C.
Other names: c.4481A>G, p.Tyr1494Cys (NM_000068.4, NM_023035.3); c.4472A>G, p.Tyr1491Cys (NM_001127221.2, NM_001174080.2); short protein forms Y1491C, Y1490C, Y1494C.
Identifiers: ClinVar variation 422625 (VCV000422625.8), dbSNP rs1064795901, ClinGen allele CA16620783.
Genomic context (GRCh38, chr19:13,257,471, plus strand): 5'-ATGATCAAGGCCACAAAGATATTGACAAAGAAGAAGGGGAACACCACAAAGTAGACGACG[T>C]AGAAAATGGACATCTCCATGCGGTACCCGGGGCTGGGGCCCTGGTTCTCAAAGGTGGCGT-3'
Protein context (NP_001120694.1, residues 1480-1500): PGYRMEMSIF[Tyr1490Cys]VVYFVVFPFF